The following is an entry in ClinVar:

NM_002335.4(LRP5):c.1339G>A (p.Gly447Ser)

Gene: LRP5 (LDL receptor related protein 5; plus strand). Cytogenetic location: 11q13.2.
Variant type: single nucleotide variant.
Coding change: c.1339G>A on transcript NM_002335.4 (MANE Select); coding-DNA position 1339, G replaced by A.
Protein change: p.Gly447Ser; replaces glycine 447 with serine.
Molecular consequence: missense variant. On other transcripts: 5 prime UTR variant (1).
Genome position (GRCh38, 1-based): chr11:68,386,639, G>A. VCF-style: chr11-68386639-G-A. GRCh37 (hg19) VCF-style: chr11-68154107-G-A.
Other names: c.-427G>A (NM_001291902.2); c.1339G>A (NM_002335.3); short protein forms G447S.
Identifiers: ClinVar variation 1720225 (VCV001720225.6), dbSNP rs2496600059, ClinGen allele CA381612735.

ClinVar aggregate classification (germline): Conflicting classifications of pathogenicity. Review status: criteria provided, conflicting classifications (1 of 4 stars). 2 submissions from 2 submitters: Likely pathogenic (1); Uncertain significance (1). Last evaluated 2026-08-26.

Conditions:
LRP5-related disorder. Also called: LRP5-related condition.

Submissions (2):

PreventionGenetics, part of Exact Sciences
Classification: Uncertain significance for LRP5-related condition. Last evaluated: 2026-08-26. Review status: criteria provided, single submitter. Criteria: ACMG Guidelines, 2015. Collection method: clinical testing. Allele origin: germline.
Comment: The LRP5 c.1339G>A variant is predicted to result in the amino acid substitution p.Gly447Ser. To our knowledge, this variant has not been reported in the literature or in a large population database (gnomAD), indicating this variant is rare. An outside clinical laboratory has observed this variant in an individual(s) with familial exudative vitreoretinopathy and classifies this variant as likely pathogenic (ClinVar ID: 1720225). At this time, the clinical significance of this variant is uncertain due to the absence of conclusive functional and genetic evidence.

Labcorp Genetics (formerly Invitae), Labcorp
Classification: Likely pathogenic. Last evaluated: 2024-01-16. Review status: criteria provided, single submitter. Criteria: Invitae Variant Classification Sherloc (09022015). Collection method: clinical testing. Allele origin: germline.
Comment: This sequence change replaces glycine, which is neutral and non-polar, with serine, which is neutral and polar, at codon 447 of the LRP5 protein (p.Gly447Ser). This variant is not present in population databases (gnomAD no frequency). This missense change has been observed in individual(s) with familial exudative vitreoretinopathy (Invitae). ClinVar contains an entry for this variant (Variation ID: 1720225). Advanced modeling of protein sequence and biophysical properties (such as structural, functional, and spatial information, amino acid conservation, physicochemical variation, residue mobility, and thermodynamic stability) performed at Invitae indicates that this missense variant is expected to disrupt LRP5 protein function with a positive predictive value of 95%. In summary, the currently available evidence indicates that the variant is pathogenic, but additional data are needed to prove that conclusively. Therefore, this variant has been classified as Likely Pathogenic.